The following is an entry in ClinVar:

NM_000545.8(HNF1A):c.802T>C (p.Phe268Leu)

Gene: HNF1A (HNF1 homeobox A; plus strand). Cytogenetic location: 12q24.31.
Variant type: single nucleotide variant.
Coding change: c.802T>C on transcript NM_000545.8 (MANE Select); coding-DNA position 802, T replaced by C.
Protein change: p.Phe268Leu; replaces phenylalanine 268 with leucine.
Molecular consequence: missense variant.
Genome position (GRCh38, 1-based): chr12:120,994,252, T>C. VCF-style: chr12-120994252-T-C. GRCh37 (hg19) VCF-style: chr12-121432055-T-C.
Other names: NM_001306179.2:c.802T>C; c.802T>C, p.Phe268Leu (NM_001306179.2); short protein forms F268L.
Identifiers: ClinVar variation 1327612 (VCV001327612.6), dbSNP rs2135841769, ClinGen allele CA386966270.
Genomic context (GRCh38, chr12:120,994,252, plus strand): 5'-CCATCACAGGCACAGGGGCTGGGCTCCAACCTCGTCACGGAGGTGCGTGTCTACAACTGG[T>C]TTGCCAACCGGCGCAAAGAAGAAGCCTTCCGGCACAAGCTGGCCATGGACACGTACAGCG-3'
Protein context (NP_000536.6, residues 258-278): LVTEVRVYNW[Phe268Leu]ANRRKEEAFR

ClinVar aggregate classification (germline): Likely pathogenic. Review status: reviewed by expert panel (3 of 4 stars). 2 submissions from 2 submitters: Likely pathogenic (1). 1 of the submissions does not count toward it. Last evaluated 2025-08-05.

Conditions:
Monogenic diabetes. Identifiers: Orphanet 183625, MedGen C3888631, MONDO:0015967.

Submissions (2):

ClinGen Monogenic Diabetes Variant Curation Expert Panel
Classification: Likely pathogenic for Monogenic diabetes. Last evaluated: 2025-08-05. Review status: reviewed by expert panel. Criteria: ClinGen Diabetes ACMG Specifications HNF1A V3.0.0. Collection method: curation. Allele origin: germline. Inheritance: Autosomal dominant inheritance.
Comment: The c.802T>C variant in the HNF1 homeobox A gene, HNF1A, causes an amino acid change of phenylalanine to leucine at codon 268 (p.(Phe268Leu)) of NM_000545.8. This variant is located within the DNA binding domain of HNF1A (codons 201-280), which is defined as critical for the protein’s function by the ClinGen MDEP (PM1_Supporting), and is predicted to be deleterious by computational evidence, with a REVEL score of 0.952 (PP3). This variant is absent from gnomAD v2.1.1 and v4.1.0 (PM2_Supporting). This variant was identified in two individuals with non-autoimmune and non-absolute/near-absolute insulin-deficient diabetes; however, PS4_Moderate cannot be applied because this number is below the ClinGen MDEP threshold (PMID: 20132997, internal lab contributors). One of these individuals did have a clinical history highly specific for HNF1A-MODY (MODY probability calculator result >50%, negative genetic testing for HNF4A, and antibody negative) (PP4_Moderate; PMID: 20132997). This variant segregated with diabetes with one informative meioses in a single family; however, this does not meet the thresholds for PP1 set by the ClinGen MDEP (PMID: 27236918, PMID: 20132997). Another missense variant at the same codon, c.803T>C (p.Phe268Ser), has been classified as likely pathogenic by the ClinGen MDEP (PM5_Supporting). In summary, c.802T>C meets the criteria to be classified as likely pathogenic for monogenic diabetes. ACMG/AMP criteria applied, as specified by the ClinGen MDEP (specification version 3.0.0, approved 6/30/2025): PP4_Moderate, PP3, PM1_Supporting, PM2_Supporting, PM5_Supporting.

Labcorp Genetics (formerly Invitae), Labcorp
Classification: Uncertain significance. Last evaluated: 2024-05-21. Review status: criteria provided, single submitter. Criteria: Invitae Variant Classification Sherloc (09022015). Collection method: clinical testing. Allele origin: germline. Not counted in ClinVar's aggregate classification.
Comment: This sequence change replaces phenylalanine, which is neutral and non-polar, with leucine, which is neutral and non-polar, at codon 268 of the HNF1A protein (p.Phe268Leu). This variant is not present in population databases (gnomAD no frequency). This missense change has been observed in individual(s) with maturity-onset diabetes of the young (PMID: 20132997). ClinVar contains an entry for this variant (Variation ID: 1327612). Advanced modeling of protein sequence and biophysical properties (such as structural, functional, and spatial information, amino acid conservation, physicochemical variation, residue mobility, and thermodynamic stability) has been performed at Invitae for this missense variant, however the output from this modeling did not meet the statistical confidence thresholds required to predict the impact of this variant on HNF1A protein function. This variant disrupts the p.Phe268 amino acid residue in HNF1A. Other variant(s) that disrupt this residue have been observed in individuals with HNF1A-related conditions (PMID: 15305805), which suggests that this may be a clinically significant amino acid residue. In summary, the available evidence is currently insufficient to determine the role of this variant in disease. Therefore, it has been classified as a Variant of Uncertain Significance.

Literature cited by the submitters: PubMed 20132997 (cited by ClinGen Monogenic Diabetes Variant Curation Expert Panel and Labcorp Genetics (formerly Invitae), Labcorp); PubMed 15305805 (cited by Labcorp Genetics (formerly Invitae), Labcorp).